The following is an entry in ClinVar:

NM_000027.4(AGA):c.979A>G (p.Ser327Gly)

Gene: AGA (aspartylglucosaminidase; minus strand). Cytogenetic location: 4q34.3.
Variant type: single nucleotide variant.
Coding change: c.979A>G on transcript NM_000027.4 (MANE Select); coding-DNA position 979, A replaced by G.
Protein change: p.Ser327Gly; replaces serine 327 with glycine.
Molecular consequence: missense variant. On other transcripts: non-coding transcript variant (1).
Genome position (GRCh38, 1-based): chr4:177,431,770, T>C on the plus strand (A>G on the coding strand, the complement: AGA is on the minus strand). VCF-style: chr4-177431770-T-C. GRCh37 (hg19) VCF-style: chr4-178352924-T-C.
Other names: c.949A>G, p.Ser317Gly (NM_001171988.2); short protein forms S317G, S327G.
Identifiers: ClinVar variation 991943 (VCV000991943.7), dbSNP rs369035792, ClinGen allele CA3146727.

ClinVar aggregate classification (germline): Conflicting classifications of pathogenicity. Review status: criteria provided, conflicting classifications (1 of 4 stars). 3 submissions from 3 submitters: Uncertain significance (1); Likely benign (1). 1 of the submissions does not count toward it. Last evaluated 2026-01-20.

Conditions:
Aspartylglucosaminuria (AGU). Also called: GLYCOASPARAGINASE; GLYCOSYLASPARAGINASE DEFICIENCY; Aspartylglucos-aminuria; Aspartylglucos-amidase (AGA) deficiency; AGA DEFICIENCY. Identifiers: Orphanet 93, MedGen C0268225, MONDO:0008830, OMIM 208400, HP:0012068.

Allele frequency attached by ClinVar (database versions not stated): gnomAD exomes 0.00003 and 0.00007; ExAC 0.00008; gnomAD 0.00029; TOPMed 0.00030; ESP Exome Variant Server 0.00031; 1000 Genomes Project 0.00040; 1000 Genomes Project 30x 0.00078.
gnomAD v4.1: 94 of 1,613,926 alleles (0.0058%); highest among the groups gnomAD compares: African/African-American, 0.12%; no homozygotes.

Submissions (3):

Labcorp Genetics (formerly Invitae), Labcorp
Classification: Likely benign for Aspartylglucosaminuria. Last evaluated: 2026-01-20. Review status: criteria provided, single submitter. Criteria: Invitae Variant Classification Sherloc (09022015). Collection method: clinical testing. Allele origin: germline.

Greenwood Genetic Center Diagnostic Laboratories, Greenwood Genetic Center
Classification: Uncertain significance. Last evaluated: 2022-05-31. Review status: criteria provided, single submitter. Criteria: ACMG Guidelines, 2015. Collection method: clinical testing. Allele origin: germline. Affected: yes.
Comment: PM2

Natera, Inc.
Classification: Uncertain significance for Aspartylglucosaminuria. Last evaluated: 2020-04-16. Review status: no assertion criteria provided. Collection method: clinical testing. Allele origin: germline. Not counted in ClinVar's aggregate classification.